The following is an entry in ClinVar:

NM_024301.5(FKRP):c.241G>C (p.Val81Leu)

Gene: FKRP (fukutin related protein; plus strand). Cytogenetic location: 19q13.32.
Variant type: single nucleotide variant.
Coding change: c.241G>C on transcript NM_024301.5 (MANE Select); coding-DNA position 241, G replaced by C.
Protein change: p.Val81Leu; replaces valine 81 with leucine.
Molecular consequence: missense variant.
Genome position (GRCh38, 1-based): chr19:46,755,691, G>C. VCF-style: chr19-46755691-G-C. GRCh37 (hg19) VCF-style: chr19-47258948-G-C.
Other names: c.241G>C, p.Val81Leu (NM_001039885.3); short protein forms V81L.
Identifiers: ClinVar variation 4257867 (VCV004257867.1).

ClinVar aggregate classification (germline): Uncertain significance (1 of 4 stars; one submission).

Conditions:
Cardiovascular phenotype. Identifiers: MedGen CN230736.

Submission:

Ambry Genetics
Classification: Uncertain significance for Cardiovascular phenotype. Last evaluated: 2025-07-21. Review status: criteria provided, single submitter. Criteria: Ambry Variant Classification Scheme 2023. Collection method: clinical testing. Allele origin: germline.
Comment: The p.V81L variant (also known as c.241G>C), located in coding exon 1 of the FKRP gene, results from a G to C substitution at nucleotide position 241. The valine at codon 81 is replaced by leucine, an amino acid with highly similar properties. This amino acid position is conserved. In addition, the in silico prediction for this alteration is inconclusive. Based on the available evidence, the clinical significance of this variant remains unclear.